The following is an entry in ClinVar:

ClinVar aggregate classification (germline): Conflicting classifications of pathogenicity. Review status: criteria provided, conflicting classifications (1 of 4 stars). 2 submissions from 2 submitters: Uncertain significance (1); Likely benign (1). Last evaluated 2025-06-02.

Conditions:
Shprintzen-Goldberg syndrome (SGS). Also called: SHPRINTZEN-GOLDBERG CRANIOSYNOSTOSIS SYNDROME; CRANIOSYNOSTOSIS WITH ARACHNODACTYLY AND ABDOMINAL HERNIAS; Marfanoid disorder with craniosynostosis type 1; Marfanoid craniosynostosis syndrome; Shprintzen-Goldberg marfanoid syndrome. Identifiers: Orphanet 2462, MedGen C1321551, MONDO:0008426, OMIM 182212.

Allele frequency attached by ClinVar (database versions not stated): gnomAD 0.00001; gnomAD exomes 0.00001; TOPMed below 0.00001; ExAC 0.00001.
gnomAD v4.1: 9 of 1,611,830 alleles (0.00056%); highest among the groups gnomAD compares: Admixed American, 0.013%; 1 homozygote.

Submissions (2):

Labcorp Genetics (formerly Invitae), Labcorp
Classification: Likely benign for Shprintzen-Goldberg syndrome. Last evaluated: 2025-06-02. Review status: criteria provided, single submitter. Criteria: Invitae Variant Classification Sherloc (09022015). Collection method: clinical testing. Allele origin: germline.

ARUP Laboratories, Molecular Genetics and Genomics, ARUP Laboratories
Classification: Uncertain significance for Shprintzen-Goldberg syndrome. Last evaluated: 2024-05-21. Review status: criteria provided, single submitter. Criteria: ARUP Molecular Germline Variant Investigation Process 2024. Collection method: clinical testing. Allele origin: germline.
Comment: The SKI c.1298C>G; p.Pro433Arg variant (rs748787050), to our knowledge, is not reported in the medical literature but is reported in ClinVar (Variation ID: 2896864). This variant is only observed on two alleles in the Genome Aggregation Database (v2.1.1), indicating it is not a common polymorphism. Computational analyses are uncertain whether this variant is neutral or deleterious (REVEL: 0.542). Due to limited information, the clinical significance of this variant is uncertain at this time.

NM_003036.4(SKI):c.1298C>G (p.Pro433Arg)

Gene: SKI (SKI proto-oncogene; plus strand). Cytogenetic location: 1p36.32.
Variant type: single nucleotide variant.
Coding change: c.1298C>G on transcript NM_003036.4 (MANE Select); coding-DNA position 1298, C replaced by G.
Protein change: p.Pro433Arg; replaces proline 433 with arginine.
Molecular consequence: missense variant.
Genome position (GRCh38, 1-based): chr1:2,303,926, C>G. VCF-style: chr1-2303926-C-G. GRCh37 (hg19) VCF-style: chr1-2235365-C-G.
Other names: short protein forms P433R.
Identifiers: ClinVar variation 2896864 (VCV002896864.4), dbSNP rs748787050, ClinGen allele CA536662.
Genomic context (GRCh38, chr1:2,303,926, plus strand): 5'-CAGCCGTGGCGCCCAACGTGGCCCTCGCACCGCCGGCCCAGCAGAAGGTTGTGAGCAGCC[C>G]TCCGTGTGCCGCCGCCGTCTCCCGGGCCCCCGAGCCTCTCGCCACTTGCACCCAGCCTCG-3'
Protein context (NP_003027.1, residues 423-443): PPAQQKVVSS[Pro433Arg]PCAAAVSRAP